The following is an entry in ClinVar:

ClinVar aggregate classification (germline): Benign/Likely benign. Review status: criteria provided, multiple submitters, no conflicts (2 of 4 stars). 5 submissions from 5 submitters: Benign (2); Likely benign (2). 1 of the submissions does not count toward it. Last evaluated 2025-12-21.

Conditions:
Autosomal recessive hypophosphatemic bone disease (HHRH). Also called: HYPERCALCIURIC RICKETS; Hypophosphatemic rickets with hypercalciuria. Identifiers: Orphanet 157215, MedGen C1853271, MONDO:0009431, OMIM 241530.
SLC34A3-related disorder. Also called: SLC34A3-related condition.

Allele frequency attached by ClinVar (database versions not stated): gnomAD exomes 0.00038; ExAC 0.00046; 1000 Genomes Project 0.00120; ESP Exome Variant Server 0.00138; gnomAD 0.00147 and 0.00161; TOPMed 0.00173.

Submissions (5):

Labcorp Genetics (formerly Invitae), Labcorp
Classification: Benign. Last evaluated: 2025-12-21. Review status: criteria provided, single submitter. Criteria: Invitae Variant Classification Sherloc (09022015). Collection method: clinical testing. Allele origin: germline.

Blueprint Genetics
Classification: Likely benign. Last evaluated: 2024-10-02. Review status: criteria provided, single submitter. Criteria: ACMG Guidelines, 2015. Collection method: clinical testing. Allele origin: germline.

Fulgent Genetics
Classification: Likely benign for Autosomal recessive hypophosphatemic bone disease. Last evaluated: 2021-08-09. Review status: criteria provided, single submitter. Criteria: ACMG Guidelines, 2015. Collection method: clinical testing. Allele origin: unknown.

Breakthrough Genomics
Classification: Benign. Review status: criteria provided, single submitter. Criteria: ACMG Guidelines, 2015. Collection method: not provided. Allele origin: germline. Inheritance: Autosomal recessive inheritance. Affected: yes.

PreventionGenetics, part of Exact Sciences
Classification: Likely benign for SLC34A3-related condition. Last evaluated: 2024-03-21. Review status: no assertion criteria provided. Collection method: clinical testing. Allele origin: germline. Not counted in ClinVar's aggregate classification.
Comment: This variant is classified as likely benign based on ACMG/AMP sequence variant interpretation guidelines (Richards et al. 2015 PMID: 25741868, with internal and published modifications).

NM_001177316.2(SLC34A3):c.828C>T (p.Cys276=)

Gene: SLC34A3 (solute carrier family 34 member 3; plus strand). Cytogenetic location: 9q34.3.
Variant type: single nucleotide variant.
Coding change: c.828C>T on transcript NM_001177316.2 (MANE Select); coding-DNA position 828, C replaced by T.
Protein change: p.Cys276=; no amino-acid change (cysteine 276 retained).
Molecular consequence: synonymous variant.
Genome position (GRCh38, 1-based): chr9:137,233,704, C>T. VCF-style: chr9-137233704-C-T. GRCh37 (hg19) VCF-style: chr9-140128156-C-T.
Other names: c.828C>T, p.Cys276= (NM_001177317.2, NM_080877.3).
Identifiers: ClinVar variation 716201 (VCV000716201.15), dbSNP rs141775305, ClinGen allele CA5364608.